The following is an entry in ClinVar:

NM_007055.4(POLR3A):c.1147C>T (p.Pro383Ser)

Gene: POLR3A (RNA polymerase III subunit A; minus strand). Cytogenetic location: 10q22.3.
Variant type: single nucleotide variant.
Coding change: c.1147C>T on transcript NM_007055.4 (MANE Select); coding-DNA position 1147, C replaced by T.
Protein change: p.Pro383Ser; replaces proline 383 with serine.
Molecular consequence: missense variant.
Genome position (GRCh38, 1-based): chr10:78,021,584, G>A on the plus strand (C>T on the coding strand, the complement: POLR3A is on the minus strand). VCF-style: chr10-78021584-G-A. GRCh37 (hg19) VCF-style: chr10-79781342-G-A.
Other names: short protein forms P383S.
Identifiers: ClinVar variation 3342122 (VCV003342122.16).

ClinVar aggregate classification (germline): Uncertain significance (1 of 4 stars; one submission).

Submission:

CeGaT Center for Human Genetics Tuebingen
Classification: Uncertain significance. Last evaluated: 2024-08-01. Review status: criteria provided, single submitter. Criteria: CeGaT Center For Human Genetics Tuebingen Variant Classification Criteria Version 2. Collection method: clinical testing. Allele origin: germline. Affected: yes. Observed: 1 variant allele.
Comment: POLR3A: PM2, PP3